The following is an entry in ClinVar:

ClinVar aggregate classification (germline): Uncertain significance (1 of 4 stars; one submission).

Conditions:
Isolated microphthalmia 5. Also called: Posterior Microphthalmia with Retinitis Pigmentosa, Foveoschisis, and Optic Disc Drusen. Identifiers: Orphanet 251279, MedGen C1970236, MONDO:0012605, OMIM 611040.

Submission:

Labcorp Genetics (formerly Invitae), Labcorp
Classification: Uncertain significance for Isolated microphthalmia 5. Last evaluated: 2022-07-04. Review status: criteria provided, single submitter. Criteria: Invitae Variant Classification Sherloc (09022015). Collection method: clinical testing. Allele origin: germline.
Comment: In summary, the available evidence is currently insufficient to determine the role of this variant in disease. Therefore, it has been classified as a Variant of Uncertain Significance. Algorithms developed to predict the effect of missense changes on protein structure and function (SIFT, PolyPhen-2, Align-GVGD) all suggest that this variant is likely to be disruptive. This variant has not been reported in the literature in individuals affected with MFRP-related conditions. This variant is not present in population databases (gnomAD no frequency). This sequence change replaces asparagine, which is neutral and polar, with lysine, which is basic and polar, at codon 486 of the MFRP protein (p.Asn486Lys).

NM_031433.4(MFRP):c.1458C>G (p.Asn486Lys)

Genes: C1QTNF5 (C1q and TNF related 5; minus strand), MFRP (membrane frizzled-related protein; minus strand). Cytogenetic location: 11q23.3.
Variant type: single nucleotide variant.
Coding change: c.1458C>G on transcript NM_031433.4 (MANE Select); coding-DNA position 1458, C replaced by G.
Protein change: p.Asn486Lys; replaces asparagine 486 with lysine.
Molecular consequence: missense variant. On other transcripts: 5 prime UTR variant (1).
Genome position (GRCh38, 1-based): chr11:119,341,914, G>C on the plus strand (C>G on the coding strand, the complement: MFRP is on the minus strand). VCF-style: chr11-119341914-G-C. GRCh37 (hg19) VCF-style: chr11-119212624-G-C.
Other names: c.-1179C>G (NM_015645.5); short protein forms N486K.
Identifiers: ClinVar variation 2104334 (VCV002104334.4), dbSNP rs758093277, ClinGen allele CA382972504.
Genomic context (GRCh38, chr11:119,341,914, plus strand): 5'-GACCTTGTAACCGCTGAGGACCTCTACCACCTCCTCCTGGGTGATCATGCCCACCCAGAT[G>C]TTAGGGAAGGCTGTGGTGTTGTAGCTCAGACCGAGGCACATCTCCACCTGGACAGGCTCA-3'
Protein context (NP_113621.1, residues 476-496): GLSYNTTAFP[Asn486Lys]IWVGMITQEE